The following is an entry in ClinVar:

NM_001374259.2(IL12RB2):c.664+5A>G

Gene: IL12RB2 (interleukin 12 receptor subunit beta 2; plus strand). Cytogenetic location: 1p31.3.
Variant type: single nucleotide variant.
Coding change: c.664+5A>G on transcript NM_001374259.2 (MANE Select); 5 bases into the intron after coding-DNA position 664, A replaced by G.
Molecular consequence: intron variant.
Genome position (GRCh38, 1-based): chr1:67,328,389, A>G. VCF-style: chr1-67328389-A-G. GRCh37 (hg19) VCF-style: chr1-67794072-A-G.
Other names: c.664+5A>G (NM_001258214.1, NM_001319233.1, NM_001258216.1 and 2 more transcripts).
Identifiers: ClinVar variation 1507952 (VCV001507952.6), dbSNP rs183840586, ClinGen allele CA900251.

ClinVar aggregate classification (germline): Uncertain significance (1 of 4 stars; one submission).

Allele frequency attached by ClinVar (database versions not stated): gnomAD 0.00001 and 0.00002; gnomAD exomes 0.00003 and 0.00008; ExAC 0.00005; TOPMed 0.00007; 1000 Genomes Project 0.00040; 1000 Genomes Project 30x 0.00062.

Submission:

Labcorp Genetics (formerly Invitae), Labcorp
Classification: Uncertain significance. Last evaluated: 2025-10-21. Review status: criteria provided, single submitter. Criteria: Invitae Variant Classification Sherloc (09022015). Collection method: clinical testing. Allele origin: germline.
Comment: This sequence change falls in intron 5 of the IL12RB2 gene. It does not directly change the encoded amino acid sequence of the IL12RB2 protein. It affects a nucleotide within the consensus splice site. This variant is present in population databases (rs183840586, gnomAD 0.05%). This variant has not been reported in the literature in individuals affected with IL12RB2-related conditions. ClinVar contains an entry for this variant (Variation ID: 1507952). Variants that disrupt the consensus splice site are a relatively common cause of aberrant splicing (PMID: 17576681, 9536098). Algorithms developed to predict the effect of sequence changes on RNA splicing suggest that this variant is not likely to affect RNA splicing. In summary, the available evidence is currently insufficient to determine the role of this variant in disease. Therefore, it has been classified as a Variant of Uncertain Significance.

Literature cited by the submitters: PubMed 17576681; PubMed 9536098.